The following is an entry in ClinVar:

ClinVar aggregate classification (germline): Likely pathogenic (0 of 4 stars; one submission).

Conditions:
Tip-toe gait. Also called: Toe walking. Identifiers: MedGen C0427144, HP:0030051.

Allele frequency attached by ClinVar (database versions not stated): ExAC 0.00002; gnomAD exomes 0.00004 and 0.00001; gnomAD 0.00001.
gnomAD v4.1: 56 of 1,614,020 alleles (0.0035%); highest among the groups gnomAD compares: East Asian, 0.12%; no homozygotes.

Submission:

Practice for Gait Abnormalities, David Pomarino, Competency Network Toe Walking C/o Practice Pomarino
Classification: Likely pathogenic for Tip-toe gait. Review status: no assertion criteria provided. Collection method: clinical testing. Allele origin: germline. Affected: yes.
Comment: Hereditary motor sensory neuropathy (HMSN), also known as Charcot-Marie-Tooth Disease (CMT), is the most commonly inherited peripheral polyneuropathy. It constitutes a group of inherited, progressive, motor and sensory peripheral nerve disorders with properties of demyelination, axonal degeneration, or both. It is classified by clinical characteristics, modes of inheritance, electrophysiologic features, metabolic defects, and specific gene markers. Our patients all walk on tiptoe, so they show similar symptoms. When we genetically test them with our toe walking panel, we find that around 90 per cent of them have a genetic variant that explains their toe walking. These can be assigned, for example, to the area of myopathies (such as variants of the COL6A3 gene), the area of hereditary neuropathies (such as variants of the KMT2C gene) or the area of metabolic diseases (such as variants of the PYGM gene). In a smaller group of patients with almost identical symptoms, no abnormality is found in the genes of our panel, but spastic paraplegia can be detected. In another small group of our toe walkers, no abnormalities can be detected in the genes analysed in our toe walking panel, nor do they suffer from spastic paraplegia, as is also the case with healthy children. In contrast to these, however, they show a tiptoe gait. These patients suffer from infantile cerebral palsy, in which toe walking can also be observed.

Literature cited by the submitters: PubMed 37091313.

NM_170606.3(KMT2C):c.12167A>G (p.Lys4056Arg)

Gene: KMT2C (lysine methyltransferase 2C; minus strand). Cytogenetic location: 7q36.1.
Variant type: single nucleotide variant.
Coding change: c.12167A>G on transcript NM_170606.3 (MANE Select); coding-DNA position 12167, A replaced by G.
Protein change: p.Lys4056Arg; replaces lysine 4056 with arginine.
Molecular consequence: missense variant.
Genome position (GRCh38, 1-based): chr7:152,154,119, T>C on the plus strand (A>G on the coding strand, the complement: KMT2C is on the minus strand). VCF-style: chr7-152154119-T-C. GRCh37 (hg19) VCF-style: chr7-151851204-T-C.
Other names: short protein forms K4056R.
Identifiers: ClinVar variation 1679097 (VCV001679097.3), dbSNP rs778602278, ClinGen allele CA4578860.
Genomic context (GRCh38, chr7:152,154,119, plus strand): 5'-CTGGGACCATTTGGGGAAGGACCAAAAGGTGACGCAAAATATAAAGTGCCTGGCTCAGTT[T>C]TGATGTCATTCCTTCTTGATTCTGAACCTTTAAAAAGAGAGAAAAAAAAGAGGAAAATAG-3'
Protein context (NP_733751.2, residues 4046-4066): KSSESRRNDI[Lys4056Arg]TEPGTLYFAS